The following is an entry in ClinVar:

NM_001690.4(ATP6V1A):c.437A>G (p.His146Arg)

Gene: ATP6V1A (ATPase H+ transporting V1 subunit A; plus strand). Cytogenetic location: 3q13.31.
Variant type: single nucleotide variant.
Coding change: c.437A>G on transcript NM_001690.4 (MANE Select); coding-DNA position 437, A replaced by G.
Protein change: p.His146Arg; replaces histidine 146 with arginine.
Molecular consequence: missense variant.
Genome position (GRCh38, 1-based): chr3:113,784,706, A>G. VCF-style: chr3-113784706-A-G. GRCh37 (hg19) VCF-style: chr3-113503553-A-G.
Other names: short protein forms H146R.
Identifiers: ClinVar variation 3613492 (VCV003613492.2).
Genomic context (GRCh38, chr3:113,784,706, plus strand): 5'-TCTACTTGACATTTATTTGCAAATTAAACAGCAAATACATTTATCTCTAGGTTGGTAGTC[A>G]TATCACTGGCGGAGACATTTATGGAATTGTCAGTGAGAACTCGCTTATCAAACACAAAAT-3'
Protein context (NP_001681.2, residues 136-156): TPCKNLRVGS[His146Arg]ITGGDIYGIV

ClinVar aggregate classification (germline): Uncertain significance (1 of 4 stars; one submission).

gnomAD v4.1: 3 of 1,614,096 alleles (0.00019%); highest among the groups gnomAD compares: South Asian, 0.0011%; no homozygotes.

Submission:

Labcorp Genetics (formerly Invitae), Labcorp
Classification: Uncertain significance. Last evaluated: 2024-06-25. Review status: criteria provided, single submitter. Criteria: Invitae Variant Classification Sherloc (09022015). Collection method: clinical testing. Allele origin: germline.
Comment: This sequence change replaces histidine, which is basic and polar, with arginine, which is basic and polar, at codon 146 of the ATP6V1A protein (p.His146Arg). This variant is not present in population databases (gnomAD no frequency). This variant has not been reported in the literature in individuals affected with ATP6V1A-related conditions. Advanced modeling of protein sequence and biophysical properties (such as structural, functional, and spatial information, amino acid conservation, physicochemical variation, residue mobility, and thermodynamic stability) performed at Invitae indicates that this missense variant is not expected to disrupt ATP6V1A protein function with a negative predictive value of 80%. In summary, the available evidence is currently insufficient to determine the role of this variant in disease. Therefore, it has been classified as a Variant of Uncertain Significance.